The following is an entry in ClinVar:

NM_003680.4(YARS1):c.1033T>G (p.Ser345Ala)

Gene: YARS1 (tyrosyl-tRNA synthetase 1; minus strand). Cytogenetic location: 1p35.1.
Variant type: single nucleotide variant.
Coding change: c.1033T>G on transcript NM_003680.4 (MANE Select); coding-DNA position 1033, T replaced by G.
Protein change: p.Ser345Ala; replaces serine 345 with alanine.
Molecular consequence: missense variant.
Genome position (GRCh38, 1-based): chr1:32,782,413, A>C on the plus strand (T>G on the coding strand, the complement: YARS1 is on the minus strand). VCF-style: chr1-32782413-A-C. GRCh37 (hg19) VCF-style: chr1-33248014-A-C.
Other names: short protein forms S345A.
Identifiers: ClinVar variation 1949719 (VCV001949719.5), dbSNP rs1653088767, ClinGen allele CA339683276.
Genomic context (GRCh38, chr1:32,782,413, plus strand): 5'-TTGACAAGCTCTCTCTCCTGATGATGTCGGCCCCTCTCCAGCTGGCCTTACTCTGCTTTG[A>C]GGGATCTGGGTAGGCAGCGCTGGCCAGTTTTTTCAGGGCAGGGGTATTAAACTTTTCCCG-3'
Protein context (NP_003671.1, residues 335-355): KLASAAYPDP[Ser345Ala]KQKPMAKGPA

ClinVar aggregate classification (germline): Uncertain significance (1 of 4 stars; one submission).

Conditions:
Charcot-Marie-Tooth disease dominant intermediate C (CMTDIC). Also called: CHARCOT-MARIE-TOOTH NEUROPATHY, DOMINANT INTERMEDIATE C. Identifiers: Orphanet 100045, MedGen C1842237, MONDO:0012012, OMIM 608323.

Allele frequency attached by ClinVar (database versions not stated): gnomAD 0.00001.
gnomAD v4.1: 1 of 1,613,700 alleles (0.000062%); highest among the groups gnomAD compares: African/African-American, 0.0013%; no homozygotes.

Submission:

Labcorp Genetics (formerly Invitae), Labcorp
Classification: Uncertain significance for Charcot-Marie-Tooth disease dominant intermediate C. Last evaluated: 2022-02-08. Review status: criteria provided, single submitter. Criteria: Invitae Variant Classification Sherloc (09022015). Collection method: clinical testing. Allele origin: germline.
Comment: This sequence change replaces serine, which is neutral and polar, with alanine, which is neutral and non-polar, at codon 345 of the YARS protein (p.Ser345Ala). This variant is not present in population databases (gnomAD no frequency). This variant has not been reported in the literature in individuals affected with YARS-related conditions. Algorithms developed to predict the effect of missense changes on protein structure and function are either unavailable or do not agree on the potential impact of this missense change (SIFT: "Not Available"; PolyPhen-2: "Benign"; Align-GVGD: "Not Available"). In summary, the available evidence is currently insufficient to determine the role of this variant in disease. Therefore, it has been classified as a Variant of Uncertain Significance.